The following is an entry in ClinVar:

NM_001286577.2(C2CD3):c.2339C>T (p.Thr780Ile)

Gene: C2CD3 (C2 domain containing 3 centriole elongation regulator; minus strand). Cytogenetic location: 11q13.4.
Variant type: single nucleotide variant.
Coding change: c.2339C>T on transcript NM_001286577.2 (MANE Select); coding-DNA position 2339, C replaced by T.
Protein change: p.Thr780Ile; replaces threonine 780 with isoleucine.
Molecular consequence: missense variant.
Genome position (GRCh38, 1-based): chr11:74,103,372, G>A on the plus strand (C>T on the coding strand, the complement: C2CD3 is on the minus strand). VCF-style: chr11-74103372-G-A. GRCh37 (hg19) VCF-style: chr11-73814417-G-A.
Other names: c.2339C>T (NM_015531.4); c.2339C>T, p.Thr780Ile (NM_015531.6); short protein forms T780I.
Identifiers: ClinVar variation 1426783 (VCV001426783.6), dbSNP rs763001401, ClinGen allele CA6182661.

ClinVar aggregate classification (germline): Uncertain significance. Review status: criteria provided, multiple submitters, no conflicts (2 of 4 stars). 2 submissions from 2 submitters: Uncertain significance (2). Last evaluated 2025-07-14.

Conditions:
Inborn genetic diseases. Identifiers: MedGen C0950123, MeSH D030342.

Allele frequency attached by ClinVar (database versions not stated): gnomAD exomes 0.00001 and 0.00002; ExAC 0.00002; gnomAD 0.00003 and 0.00004.
gnomAD v4.1: 23 of 1,614,084 alleles (0.0014%); highest among the groups gnomAD compares: South Asian, 0.019%; 1 homozygote.

Submissions (2):

Ambry Genetics
Classification: Uncertain significance for Inborn genetic diseases. Last evaluated: 2025-07-14. Review status: criteria provided, single submitter. Criteria: Ambry Variant Classification Scheme 2023. Collection method: clinical testing. Allele origin: germline.

Labcorp Genetics (formerly Invitae), Labcorp
Classification: Uncertain significance. Last evaluated: 2022-01-07. Review status: criteria provided, single submitter. Criteria: Invitae Variant Classification Sherloc (09022015). Collection method: clinical testing. Allele origin: germline.
Comment: In summary, the available evidence is currently insufficient to determine the role of this variant in disease. Therefore, it has been classified as a Variant of Uncertain Significance. This sequence change replaces threonine, which is neutral and polar, with isoleucine, which is neutral and non-polar, at codon 780 of the C2CD3 protein (p.Thr780Ile). This variant is present in population databases (rs763001401, gnomAD 0.02%). This variant has not been reported in the literature in individuals affected with C2CD3-related conditions. Algorithms developed to predict the effect of missense changes on protein structure and function output the following: SIFT: "Tolerated"; PolyPhen-2: "Benign"; Align-GVGD: "Class C0". The isoleucine amino acid residue is found in multiple mammalian species, which suggests that this missense change does not adversely affect protein function.